The following is an entry in ClinVar:

ClinVar aggregate classification (germline): Uncertain significance (1 of 4 stars; one submission).

Allele frequency attached by ClinVar (database versions not stated): ExAC 0.00001.
gnomAD v4.1: 16 of 1,614,190 alleles (0.00099%); highest among the groups gnomAD compares: Non-Finnish European, 0.0014%; no homozygotes.

Submission:

Labcorp Genetics (formerly Invitae), Labcorp
Classification: Uncertain significance. Last evaluated: 2025-01-27. Review status: criteria provided, single submitter. Criteria: Invitae Variant Classification Sherloc (09022015). Collection method: clinical testing. Allele origin: germline.
Comment: This sequence change replaces valine, which is neutral and non-polar, with leucine, which is neutral and non-polar, at codon 150 of the EIF2B1 protein (p.Val150Leu). This variant is present in population databases (rs748469050, gnomAD 0.0009%). This variant has not been reported in the literature in individuals affected with EIF2B1-related conditions. ClinVar contains an entry for this variant (Variation ID: 2198556). Invitae Evidence Modeling of protein sequence and biophysical properties (such as structural, functional, and spatial information, amino acid conservation, physicochemical variation, residue mobility, and thermodynamic stability) indicates that this missense variant is not expected to disrupt EIF2B1 protein function with a negative predictive value of 80%. In summary, the available evidence is currently insufficient to determine the role of this variant in disease. Therefore, it has been classified as a Variant of Uncertain Significance.

NM_001414.4(EIF2B1):c.448G>T (p.Val150Leu)

Gene: EIF2B1 (eukaryotic translation initiation factor 2B subunit alpha; minus strand). Cytogenetic location: 12q24.31.
Variant type: single nucleotide variant.
Coding change: c.448G>T on transcript NM_001414.4 (MANE Select); coding-DNA position 448, G replaced by T.
Protein change: p.Val150Leu; replaces valine 150 with leucine.
Molecular consequence: missense variant.
Genome position (GRCh38, 1-based): chr12:123,627,078, C>A on the plus strand (G>T on the coding strand, the complement: EIF2B1 is on the minus strand). VCF-style: chr12-123627078-C-A. GRCh37 (hg19) VCF-style: chr12-124111625-C-A.
Other names: short protein forms V150L.
Identifiers: ClinVar variation 2198556 (VCV002198556.4), dbSNP rs748469050, ClinGen allele CA6860125.